The following is an entry in ClinVar:

ClinVar aggregate classification (germline): Benign/Likely benign. Review status: criteria provided, multiple submitters, no conflicts (2 of 4 stars). 3 submissions from 3 submitters: Benign (1); Likely benign (2). Last evaluated 2018-07-08.

Conditions:
CEDNIK syndrome. Also called: CEREBRAL DYSGENESIS, NEUROPATHY, ICHTHYOSIS, AND PALMOPLANTAR KERATODERMA SYNDROME; Cerebral dysgenesis, neuropathy, ichthyosis, and palmoplantar keratoderma. Identifiers: Orphanet 66631, MedGen C1836033, MONDO:0012290, OMIM 609528.

Allele frequency attached by ClinVar (database versions not stated): 1000 Genomes Project 0.00479; 1000 Genomes Project 30x 0.00484; ESP Exome Variant Server 0.00626; TOPMed 0.00691.
gnomAD v4.1: 1,917 of 1,548,512 alleles (0.12%); highest among the groups gnomAD compares: African/African-American, 2.3%; 25 homozygotes.

Submissions (3):

GeneDx
Classification: Likely benign. Last evaluated: 2018-07-08. Review status: criteria provided, single submitter. Criteria: GeneDx Variant Classification Process June 2021. Collection method: clinical testing. Allele origin: germline. Affected: yes.

Illumina Laboratory Services, Illumina
Classification: Benign for CEDNIK syndrome. Last evaluated: 2018-01-13. Review status: criteria provided, single submitter. Criteria: ICSL Variant Classification Criteria 13 December 2019. Collection method: clinical testing. Allele origin: germline.
Comment: This variant was observed in the ICSL laboratory as part of a predisposition screen in an ostensibly healthy population. It had not been previously curated by ICSL or reported in the Human Gene Mutation Database (HGMD: prior to June 1st, 2018), and was therefore a candidate for classification through an automated scoring system. Utilizing variant allele frequency, disease prevalence and penetrance estimates, and inheritance mode, an automated score was calculated to assess if this variant is too frequent to cause the disease. Based on the score and internal cut-off values, a variant classified as benign is not then subjected to further curation. The score for this variant resulted in a classification of benign for this disease.

Breakthrough Genomics
Classification: Likely benign. Review status: criteria provided, single submitter. Criteria: ACMG Guidelines, 2015. Collection method: not provided. Allele origin: germline. Inheritance: Autosomal recessive inheritance. Affected: yes.

NM_004782.4(SNAP29):c.-32C>G

Gene: SNAP29 (synaptosome associated protein 29; plus strand). Cytogenetic location: 22q11.21.
Variant type: single nucleotide variant.
Coding change: c.-32C>G on transcript NM_004782.4 (MANE Select); 32 bases upstream of the start codon, C replaced by G.
Molecular consequence: 5 prime UTR variant.
Genome position (GRCh38, 1-based): chr22:20,859,079, C>G. VCF-style: chr22-20859079-C-G. GRCh37 (hg19) VCF-style: chr22-21213367-C-G.
Identifiers: ClinVar variation 340825 (VCV000340825.9), dbSNP rs202138036, ClinGen allele CA10116960.